The following is an entry in ClinVar:

ClinVar aggregate classification (germline): Uncertain significance (1 of 4 stars; one submission).

Submission:

Labcorp Genetics (formerly Invitae), Labcorp
Classification: Uncertain significance. Last evaluated: 2022-06-17. Review status: criteria provided, single submitter. Criteria: Invitae Variant Classification Sherloc (09022015). Collection method: clinical testing. Allele origin: germline.
Comment: In summary, the available evidence is currently insufficient to determine the role of this variant in disease. Therefore, it has been classified as a Variant of Uncertain Significance. Variants that disrupt the consensus splice site are a relatively common cause of aberrant splicing (PMID: 17576681, 9536098). Algorithms developed to predict the effect of sequence changes on RNA splicing suggest that this variant may disrupt the consensus splice site. This variant has not been reported in the literature in individuals affected with CD46-related conditions. This variant is not present in population databases (gnomAD no frequency). This sequence change falls in intron 4 of the CD46 gene. It does not directly change the encoded amino acid sequence of the CD46 protein. It affects a nucleotide within the consensus splice site.

Literature cited by the submitters: PubMed 17576681; PubMed 9536098.

NM_172351.3(CD46):c.476-3A>T

Gene: CD46 (CD46 molecule; plus strand). Cytogenetic location: 1q32.2.
Variant type: single nucleotide variant.
Coding change: c.476-3A>T on transcript NM_172351.3 (MANE Select); 3 bases into the intron before coding-DNA position 476, A replaced by T.
Molecular consequence: intron variant.
Genome position (GRCh38, 1-based): chr1:207,761,246, A>T. VCF-style: chr1-207761246-A-T. GRCh37 (hg19) VCF-style: chr1-207934591-A-T.
Other names: c.476-3A>T (NM_002389.4, NM_172359.3, NM_153826.4 and 8 more transcripts).
Identifiers: ClinVar variation 1948911 (VCV001948911.5), dbSNP rs2526456614, ClinGen allele CA2580061954.